The following is an entry in ClinVar:

NM_173598.6(KSR2):c.1147C>T (p.His383Tyr)

Gene: KSR2 (kinase suppressor of ras 2; minus strand). Cytogenetic location: 12q24.22.
Variant type: single nucleotide variant.
Coding change: c.1147C>T on transcript NM_173598.6 (MANE Select); coding-DNA position 1147, C replaced by T.
Protein change: p.His383Tyr; replaces histidine 383 with tyrosine.
Molecular consequence: missense variant.
Genome position (GRCh38, 1-based): chr12:117,667,498, G>A on the plus strand (C>T on the coding strand, the complement: KSR2 is on the minus strand). VCF-style: chr12-117667498-G-A. GRCh37 (hg19) VCF-style: chr12-118105303-G-A.
Other names: short protein forms H383Y.
Identifiers: ClinVar variation 5000651 (VCV005000651.1).

ClinVar aggregate classification (germline): Uncertain significance (1 of 4 stars; one submission).

Conditions:
KSR2-related disorder. Also called: KSR2-related condition.

Submission:

PreventionGenetics, part of Exact Sciences
Classification: Uncertain significance for KSR2-related condition. Last evaluated: 2025-06-13. Review status: criteria provided, single submitter. Criteria: ACMG Guidelines, 2015. Collection method: clinical testing. Allele origin: germline.
Comment: The KSR2 c.1060C>T variant is predicted to result in the amino acid substitution p.His354Tyr. To our knowledge, this variant has not been reported in the literature or in a large population database (gnomAD), indicating this variant is rare. At this time, the clinical significance of this variant is uncertain due to the absence of conclusive functional and genetic evidence.